The following is an entry in ClinVar:

ClinVar aggregate classification (germline): Pathogenic. Review status: reviewed by expert panel (3 of 4 stars). 11 submissions from 10 submitters: Pathogenic (1). 10 of the submissions do not count toward it. Last evaluated 2016-10-18.

Conditions:
BRCA2-related cancer predisposition. Identifiers: MedGen CN377758, MONDO:0700269.
Hereditary cancer-predisposing syndrome. Also called: Neoplastic Syndromes, Hereditary; Tumor predisposition; Hereditary Cancer Syndrome; Hereditary neoplastic syndrome. Identifiers: Orphanet 140162, MedGen C0027672, MeSH D009386, MONDO:0015356.
Familial prostate cancer. Also called: Hereditary Prostate Cancer. Identifiers: MedGen C2931456, MONDO:0700275, OMIM 176807.
Hereditary breast ovarian cancer syndrome. Also called: Breast and ovarian cancer; Hereditary breast and ovarian cancer; Hereditary breast and ovarian cancer syndrome (HBOC); Hereditary breast and ovarian cancer syndrome; BRCA1- and BRCA2-Associated Hereditary Breast and Ovarian Cancer; Hereditary breast and/or ovarian cancer syndrome. Identifiers: Orphanet 145, MedGen C0677776, MeSH D061325, MONDO:0003582. Disease mechanism: loss of function.
Breast-ovarian cancer, familial, susceptibility to, 2 (BROVCA2). Also called: BRCA2 Hereditary Breast and Ovarian Cancer. Identifiers: Orphanet 145, MedGen C2675520, MONDO:0012933, OMIM 612555. Disease mechanism: loss of function.
Familial cancer of breast. Also called: BREAST CANCER, FAMILIAL; hereditary breast carcinoma; Hereditary breast cancer. Identifiers: Orphanet 227535, MedGen C0346153, MONDO:0016419, OMIM 114480. Disease mechanism: loss of function.

Submissions (11):

Evidence-based Network for the Interpretation of Germline Mutant Alleles (ENIGMA)
Classification: Pathogenic for Breast-ovarian cancer, familial, susceptibility to, 2. Last evaluated: 2016-10-18. Review status: reviewed by expert panel. Criteria: ENIGMA BRCA1/2 Classification Criteria (2015). Collection method: curation. Allele origin: germline.
Comment: Variant allele predicted to encode a truncated non-functional protein.

Institute of Human Genetics, University of Leipzig Medical Center
Classification: Pathogenic for Breast-ovarian cancer, familial, susceptibility to, 2. Last evaluated: 2026-04-27. Review status: criteria provided, single submitter. Criteria: ACMG Guidelines, 2015. Collection method: clinical testing. Allele origin: unknown. Inheritance: Autosomal dominant inheritance. Affected: yes. Not counted in ClinVar's aggregate classification.
Comment: Criteria applied: PVS1,PM5_STR,PM2_SUP

Institute of Human Genetics, University of Leipzig Medical Center
Classification: Pathogenic for Familial prostate cancer. Last evaluated: 2025-03-03. Review status: criteria provided, single submitter. Criteria: ACMG Guidelines, 2015. Collection method: clinical testing. Allele origin: unknown. Inheritance: Autosomal dominant inheritance. Affected: yes. Not counted in ClinVar's aggregate classification.
Comment: the same text as in the submission from Institute of Human Genetics, University of Leipzig Medical Center above.

All of Us Research Program, National Institutes of Health
Classification: Pathogenic for BRCA2-related cancer predisposition. Last evaluated: 2024-09-23. Review status: criteria provided, single submitter. Criteria: ACMG Guidelines, 2015. Collection method: clinical testing. Allele origin: germline. Inheritance: Autosomal dominant inheritance. Observed: 1 variant allele, 1 heterozygote. Not counted in ClinVar's aggregate classification.
Comment: This variant inserts 1 nucleotide in exon 11 of the BRCA2 gene, creating a frameshift and premature translation stop signal. This variant is expected to result in an absent or non-functional protein product. This variant has been reported in one individual each affected with ovarian or breast cancer (PMID: 10070953, 30322717) and a suspected hereditary and breast cancer family (PMID: 24156927, 29446198). This variant has not been identified in the general population by the Genome Aggregation Database (gnomAD). Loss of BRCA2 function is a known mechanism of disease. Based on the available evidence, this variant is classified as Pathogenic.

This study involves interpretation of variants in research participants for the purpose of population health screening. Participant phenotype was not available at the time of variant classification. Additional details can be found in publication PMID: 35346344, PMCID: PMC8962531

Labcorp Genetics (formerly Invitae), Labcorp
Classification: Pathogenic for Hereditary breast ovarian cancer syndrome. Last evaluated: 2023-03-16. Review status: criteria provided, single submitter. Criteria: Invitae Variant Classification Sherloc (09022015). Collection method: clinical testing. Allele origin: germline. Not counted in ClinVar's aggregate classification.
Comment: For these reasons, this variant has been classified as Pathogenic. ClinVar contains an entry for this variant (Variation ID: 51497). This variant is also known as 3868insT. This premature translational stop signal has been observed in individuals with breast cancer (PMID: 10070953, 24156927). This variant is not present in population databases (gnomAD no frequency). This sequence change creates a premature translational stop signal (p.Phe1216Valfs*2) in the BRCA2 gene. It is expected to result in an absent or disrupted protein product. Loss-of-function variants in BRCA2 are known to be pathogenic (PMID: 20104584).

Ambry Genetics
Classification: Pathogenic for Hereditary cancer-predisposing syndrome. Last evaluated: 2022-05-13. Review status: criteria provided, single submitter. Criteria: Ambry Variant Classification Scheme 2023. Collection method: clinical testing. Allele origin: germline. Not counted in ClinVar's aggregate classification.
Comment: The c.3641dupT pathogenic mutation, located in coding exon 10 of the BRCA2 gene, results from a duplication of T at nucleotide position 3641, causing a translational frameshift with a predicted alternate stop codon (p.F1216Vfs*2). In addition to the clinical data presented in the literature, this alteration is expected to result in loss of function by premature protein truncation or nonsense-mediated mRNA decay. As such, this alteration is interpreted as a disease-causing mutation.

Institute for Clinical Genetics, University Hospital TU Dresden, University Hospital TU Dresden
Classification: Pathogenic. Last evaluated: 2021-11-03. Review status: criteria provided, single submitter. Criteria: ACMG Guidelines, 2015. Collection method: clinical testing. Allele origin: germline. Not counted in ClinVar's aggregate classification.

GeneDx
Classification: Pathogenic. Last evaluated: 2021-07-21. Review status: criteria provided, single submitter. Criteria: GeneDx Variant Classification Process June 2021. Collection method: clinical testing. Allele origin: germline. Affected: yes. Not counted in ClinVar's aggregate classification.
Comment: Frameshift variant predicted to result in protein truncation or nonsense mediated decay in a gene for which loss-of-function is a known mechanism of disease; Not observed at significant frequency in large population cohorts (Lek 2016); Truncating variants in this gene are considered pathogenic by a well-established clinical consortium and/or database; Observed in multiple individuals with a personal and/or family history of breast and/or ovarian cancer (Csokay 1999, Tea 2014); Also known as 3869dupT; This variant is associated with the following publications: (PMID: 10070953, 24156927, 30322717, 18158280)

Baylor Genetics
Classification: Pathogenic for Familial cancer of breast. Last evaluated: 2021-01-12. Review status: criteria provided, single submitter. Criteria: ACMG Guidelines, 2015. Collection method: clinical testing. Allele origin: unknown. Not counted in ClinVar's aggregate classification.

Quest Diagnostics Nichols Institute San Juan Capistrano
Classification: Pathogenic. Last evaluated: 2020-07-22. Review status: criteria provided, single submitter. Criteria: Quest Diagnostics criteria. Collection method: clinical testing. Allele origin: unknown. Not counted in ClinVar's aggregate classification.
Comment: The variant results in a shift of the reading frame, and is therefore predicted to result in the loss of a functional protein. Found in at least one patient with expected phenotype for this gene, and not found in general population data.

Consortium of Investigators of Modifiers of BRCA1/2 (CIMBA), c/o University of Cambridge
Classification: Pathogenic for Breast-ovarian cancer, familial, susceptibility to, 2. Last evaluated: 2015-10-02. Review status: criteria provided, single submitter. Criteria: CIMBA Mutation Classification guidelines May 2016. Collection method: clinical testing. Allele origin: germline. Not counted in ClinVar's aggregate classification.

Literature cited by the submitters: PubMed 10070953 (cited by 4 submitters); PubMed 24156927 (cited by 4 submitters); PubMed 29446198 (cited by All of Us Research Program, National Institutes of Health and Quest Diagnostics Nichols Institute San Juan Capistrano); PubMed 30322717 (cited by All of Us Research Program, National Institutes of Health and Quest Diagnostics Nichols Institute San Juan Capistrano); PubMed 20104584 (cited by Labcorp Genetics (formerly Invitae), Labcorp).

NM_000059.4(BRCA2):c.3641dup (p.Phe1216fs)

Gene: BRCA2 (BRCA2 DNA repair associated; plus strand). Cytogenetic location: 13q13.1.
Variant type: Duplication.
Coding change: c.3641dup on transcript NM_000059.4 (MANE Select); coding-DNA position 3641, one base duplicated (T; older notation c.3641dupT).
Protein change: p.Phe1216fs; shifts the reading frame from phenylalanine 1216.
Molecular consequence: frameshift variant.
Genome position (GRCh38, 1-based): chr13:32,337,996, T duplicated. VCF-style (leftmost placement, unchanged base first): chr13-32337995-G-GT. GRCh37 (hg19) VCF-style: chr13-32912132-G-GT.
Other names: 3869insT; c.3641dupT (NM_000059.3); short protein forms F1216fs.
Identifiers: ClinVar variation 51497 (VCV000051497.28), dbSNP rs397507678, ClinGen allele CA018449.